The following is an entry in ClinVar:

NM_012471.3(TRPC5):c.2065G>A (p.Gly689Ser)

Gene: TRPC5 (transient receptor potential cation channel subfamily C member 5; minus strand). Cytogenetic location: Xq23.
Variant type: single nucleotide variant.
Coding change: c.2065G>A on transcript NM_012471.3 (MANE Select); coding-DNA position 2065, G replaced by A.
Protein change: p.Gly689Ser; replaces glycine 689 with serine.
Molecular consequence: missense variant.
Genome position (GRCh38, 1-based): chrX:111,781,970, C>T on the plus strand (G>A on the coding strand, the complement: TRPC5 is on the minus strand). VCF-style: chrX-111781970-C-T. GRCh37 (hg19) VCF-style: chrX-111025198-C-T.
Other names: short protein forms G689S.
Identifiers: ClinVar variation 3356308 (VCV003356308.1).

ClinVar aggregate classification (germline): Uncertain significance (0 of 4 stars; one submission).

Conditions:
TRPC5-related disorder. Also called: TRPC5-related condition.

gnomAD v4.1: 22 of 1,203,026 alleles (0.0018%); highest among the groups gnomAD compares: South Asian, 0.0036%; no homozygotes.

Submission:

PreventionGenetics, part of Exact Sciences
Classification: Uncertain significance for TRPC5-related condition. Last evaluated: 2024-08-21. Review status: no assertion criteria provided. Collection method: clinical testing. Allele origin: germline.
Comment: The TRPC5 c.2065G>A variant is predicted to result in the amino acid substitution p.Gly689Ser. To our knowledge, this variant has not been reported in the literature. This variant is reported in 0.0077% of alleles in individuals of European (Non-Finnish) descent in gnomAD. At this time, the clinical significance of this variant is uncertain due to the absence of conclusive functional and genetic evidence.